The following is an entry in ClinVar:

ClinVar aggregate classification (germline): Uncertain significance (1 of 4 stars; one submission).

Conditions:
Long QT syndrome (LQTS). Identifiers: MedGen C0023976, MeSH D008133, MONDO:0002442. Disease mechanism: loss of function. Inheritance: Various modes of inheritance.

Submission:

All of Us Research Program, National Institutes of Health
Classification: Uncertain significance for Long QT syndrome. Last evaluated: 2023-06-28. Review status: criteria provided, single submitter. Criteria: ACMG Guidelines, 2015. Collection method: clinical testing. Allele origin: germline. Inheritance: Autosomal dominant inheritance. Observed: 1 variant allele, 1 heterozygote.
Comment: This study involves interpretation of variants in research participants for the purpose of population health screening. Participant phenotype was not available at the time of variant classification. Additional details can be found in publication PMID: 35346344, PMCID: PMC8962531

NM_000238.4(KCNH2):c.3058C>T (p.Pro1020Ser)

Gene: KCNH2 (potassium voltage-gated channel subfamily H member 2; minus strand). Cytogenetic location: 7q36.1.
Variant type: single nucleotide variant.
Coding change: c.3058C>T on transcript NM_000238.4 (MANE Select); coding-DNA position 3058, C replaced by T.
Protein change: p.Pro1020Ser; replaces proline 1020 with serine.
Molecular consequence: missense variant.
Genome position (GRCh38, 1-based): chr7:150,947,422, G>A on the plus strand (C>T on the coding strand, the complement: KCNH2 is on the minus strand). VCF-style: chr7-150947422-G-A. GRCh37 (hg19) VCF-style: chr7-150644510-G-A.
Other names: c.2038C>T, p.Pro680Ser (NM_172057.3); short protein forms P1020S, P680S.
Identifiers: ClinVar variation 359306 (VCV000359306.6), dbSNP rs41307274, ClinGen allele CA10623452.
Genomic context (GRCh38, chr7:150,947,422, plus strand): 5'-TCTCCACGTCGCCCCGGGGCCGCCGACCCGGGCTGGAGAGGGGGATGTTGAGGAGGCTGG[G>A]GGTGGGGGCGGGGCATCGAGGGAGCTCCTGGTACTGGCGGCCCCGACTGTCCCCCCAGAA-3'
Protein context (NP_000229.1, residues 1010-1030): QELPRCPAPT[Pro1020Ser]SLLNIPLSSP